The following is an entry in ClinVar:

NM_012203.2(GRHPR):c.346_347insACCC (p.Val116fs)

Gene: GRHPR (glyoxylate and hydroxypyruvate reductase; plus strand). Cytogenetic location: 9p13.2.
Variant type: Insertion.
Coding change: c.346_347insACCC on transcript NM_012203.2 (MANE Select); coding-DNA positions 346 to 347, ACCC inserted.
Protein change: p.Val116fs; shifts the reading frame from valine 116.
Molecular consequence: frameshift variant.
Genome position: GRCh38 VCF-style: chr9-37426596-G-GACCC. GRCh37 (hg19) VCF-style: chr9-37426593-G-GACCC.
Other names: short protein forms V116fs.
Identifiers: ClinVar variation 5012955 (VCV005012955.1).

ClinVar aggregate classification (germline): Pathogenic (1 of 4 stars; one submission).

Conditions:
Primary hyperoxaluria, type II (HP2). Also called: D-GLYCERATE DEHYDROGENASE DEFICIENCY; GLYCERIC ACIDURIA; GLYOXYLATE REDUCTASE/HYDROXYPYRUVATE REDUCTASE DEFICIENCY; OXALOSIS II; Primary hyperoxaluria type 2. Identifiers: Orphanet 416, Orphanet 93599, MedGen C0268165, MONDO:0009824, OMIM 260000. Disease mechanism: loss of function.

Submission:

Myriad Genetics, Inc.
Classification: Pathogenic for Primary hyperoxaluria, type II. Last evaluated: 2024-04-24. Review status: criteria provided, single submitter. Criteria: Myriad Autosomal Dominant, Autosomal Recessive and X-Linked Classification Criteria (2023). Collection method: clinical testing. Allele origin: unknown.
Comment: NM_012203.1(GRHPR):c.346_347insACCC(V116Dfs*76) is expected to be pathogenic in the context of primary hyperoxaluria type 2. This variant is predicted to lead to an abnormal or absent protein product due to the creation of a premature termination codon in GRHPR, a gene where loss-of-function variants are known to be pathogenic. Please note: this variant was assessed in the context of healthy population screening.